The following is an entry in ClinVar:

ClinVar aggregate classification (germline): Uncertain significance (1 of 4 stars; one submission).

Conditions:
KSR2-related disorder. Also called: KSR2-related condition.

gnomAD v4.1: 1 of 1,613,998 alleles (0.000062%); highest among the groups gnomAD compares: South Asian, 0.0011%; no homozygotes.

Submission:

PreventionGenetics, part of Exact Sciences
Classification: Uncertain significance for KSR2-related condition. Last evaluated: 2025-11-14. Review status: criteria provided, single submitter. Criteria: ACMG Guidelines, 2015. Collection method: clinical testing. Allele origin: germline.
Comment: The KSR2 c.325C>T variant is predicted to result in the amino acid substitution p.Arg109Trp. To our knowledge, this variant has not been reported in the literature. This variant is reported in 0.0033% of alleles in individuals of South Asian descent in gnomAD. At this time, the clinical significance of this variant is uncertain due to the absence of conclusive functional and genetic evidence.

NM_173598.6(KSR2):c.412C>T (p.Arg138Trp)

Gene: KSR2 (kinase suppressor of ras 2; minus strand). Cytogenetic location: 12q24.23.
Variant type: single nucleotide variant.
Coding change: c.412C>T on transcript NM_173598.6 (MANE Select); coding-DNA position 412, C replaced by T.
Protein change: p.Arg138Trp; replaces arginine 138 with tryptophan.
Molecular consequence: missense variant.
Genome position (GRCh38, 1-based): chr12:117,855,488, G>A on the plus strand (C>T on the coding strand, the complement: KSR2 is on the minus strand). VCF-style: chr12-117855488-G-A. GRCh37 (hg19) VCF-style: chr12-118293293-G-A.
Other names: short protein forms R138W.
Identifiers: ClinVar variation 4978641 (VCV004978641.1).